The following is an entry in ClinVar:

ClinVar aggregate classification (germline): Pathogenic. Review status: criteria provided, multiple submitters, no conflicts (2 of 4 stars). 2 submissions from 2 submitters: Pathogenic (2). Last evaluated 2021-12-17.

Conditions:
Tuberous sclerosis 2 (TSC2). Identifiers: Orphanet 805, MedGen C1860707, MONDO:0013199, OMIM 613254.

Submissions (2):

Labcorp Genetics (formerly Invitae), Labcorp
Classification: Pathogenic for Tuberous sclerosis 2. Last evaluated: 2021-12-17. Review status: criteria provided, single submitter. Criteria: Invitae Variant Classification Sherloc (09022015). Collection method: clinical testing. Allele origin: germline.
Comment: For these reasons, this variant has been classified as Pathogenic. ClinVar contains an entry for this variant (Variation ID: 974587). This variant has not been reported in the literature in individuals affected with TSC2-related conditions. This variant is not present in population databases (gnomAD no frequency). This sequence change creates a premature translational stop signal (p.Glu393*) in the TSC2 gene. It is expected to result in an absent or disrupted protein product. Loss-of-function variants in TSC2 are known to be pathogenic (PMID: 10205261, 17304050).

Division of Genomic Medicine, Department of Advanced Medicine, Medical Research Institute, Kanazawa Medical University
Classification: Pathogenic for Tuberous sclerosis 2. Last evaluated: 2020-07-10. Review status: criteria provided, single submitter. Criteria: ACMG Guidelines, 2015. Collection method: clinical testing. Allele origin: germline. Affected: yes. Observed: 1 variant allele.

Literature cited by the submitters: PubMed 10205261 (cited by Labcorp Genetics (formerly Invitae), Labcorp); PubMed 17304050 (cited by Labcorp Genetics (formerly Invitae), Labcorp).

NM_000548.5(TSC2):c.1177G>T (p.Glu393Ter)

Gene: TSC2 (TSC complex subunit 2; plus strand). Cytogenetic location: 16p13.3.
Variant type: single nucleotide variant.
Coding change: c.1177G>T on transcript NM_000548.5 (MANE Select); coding-DNA position 1177, G replaced by T.
Protein change: p.Glu393Ter; replaces glutamic acid 393 with a stop codon.
Molecular consequence: nonsense.
Genome position (GRCh38, 1-based): chr16:2,061,928, G>T. VCF-style: chr16-2061928-G-T. GRCh37 (hg19) VCF-style: chr16-2111929-G-T.
Other names: c.1177G>T, p.Glu393Ter (NM_001077183.3, NM_001114382.3, NM_001363528.2 and 3 more transcripts); c.1066G>T, p.Glu356Ter (NM_001318827.2); c.1030G>T, p.Glu344Ter (NM_001318829.2); c.577G>T, p.Glu193Ter (NM_001318831.2); c.1210G>T, p.Glu404Ter (NM_001318832.2); short protein forms E193*, E344*, E356*, E393*, E404*.
Identifiers: ClinVar variation 974587 (VCV000974587.6), dbSNP rs2086689358, ClinGen allele CA394320449.
Genomic context (GRCh38, chr16:2,061,928, plus strand): 5'-CAGACCTTGGACAGCCCGGAGCTCAGGACCATCGTCCATGACCTGTTGACCACGGTGGAG[G>T]AGCTGTGTGACCAGAACGAGTTCCACGGGTCTCAGGAGAGATACTTTGAACTGGTGGAGA-3'